The following is an entry in ClinVar:

ClinVar aggregate classification (germline): Uncertain significance (1 of 4 stars; one submission).

Conditions:
Inborn genetic diseases. Identifiers: MedGen C0950123, MeSH D030342.

Submission:

Ambry Genetics
Classification: Uncertain significance for Inborn genetic diseases. Last evaluated: 2025-01-09. Review status: criteria provided, single submitter. Criteria: Ambry Variant Classification Scheme 2023. Collection method: clinical testing. Allele origin: germline.
Comment: The p.I270F variant (also known as c.808A>T), located in coding exon 5 of the ERCC6L2 gene, results from an A to T substitution at nucleotide position 808. The isoleucine at codon 270 is replaced by phenylalanine, an amino acid with highly similar properties. This amino acid position is conserved. In addition, this alteration is predicted to be deleterious by in silico analysis. Based on the available evidence, the clinical significance of this variant remains unclear.

NM_020207.7(ERCC6L2):c.808A>T (p.Ile270Phe)

Gene: ERCC6L2 (ERCC excision repair 6 like 2; plus strand). Cytogenetic location: 9q22.32.
Variant type: single nucleotide variant.
Coding change: c.808A>T on transcript NM_020207.7 (MANE Select); coding-DNA position 808, A replaced by T.
Protein change: p.Ile270Phe; replaces isoleucine 270 with phenylalanine.
Molecular consequence: missense variant. On other transcripts: non-coding transcript variant (1).
Genome position (GRCh38, 1-based): chr9:95,915,687, A>T. VCF-style: chr9-95915687-A-T. GRCh37 (hg19) VCF-style: chr9-98677969-A-T.
Other names: c.808A>T, p.Ile270Phe (NM_001010895.4, NM_001375291.1, NM_001375292.1 and 2 more transcripts); short protein forms I270F.
Identifiers: ClinVar variation 3845858 (VCV003845858.1).